The following is an entry in ClinVar:

NM_004722.4(AP4M1):c.188G>C (p.Gly63Ala)

Gene: AP4M1 (adaptor related protein complex 4 subunit mu 1; plus strand). Cytogenetic location: 7q22.1.
Variant type: single nucleotide variant.
Coding change: c.188G>C on transcript NM_004722.4 (MANE Select); coding-DNA position 188, G replaced by C.
Protein change: p.Gly63Ala; replaces glycine 63 with alanine.
Molecular consequence: missense variant.
Genome position (GRCh38, 1-based): chr7:100,102,715, G>C. VCF-style: chr7-100102715-G-C. GRCh37 (hg19) VCF-style: chr7-99700338-G-C.
Other names: c.209G>C, p.Gly70Ala (NM_001363671.2); short protein forms G63A, G70A.
Identifiers: ClinVar variation 574448 (VCV000574448.9), dbSNP rs1362214871, ClinGen allele CA368464547.

ClinVar aggregate classification (germline): Uncertain significance (1 of 4 stars; one submission).

Conditions:
Hereditary spastic paraplegia 50 (SPG50). Also called: Spastic paraplegia 50, autosomal recessive. Identifiers: Orphanet 280763, MedGen C2752008, MONDO:0013048, OMIM 612936.

Allele frequency attached by ClinVar (database versions not stated): gnomAD exomes below 0.00001 and 0.00001; TOPMed below 0.00001; gnomAD 0.00001.
gnomAD v4.1: 6 of 1,614,014 alleles (0.00037%); highest among the groups gnomAD compares: East Asian, 0.011%; no homozygotes.

Submission:

Labcorp Genetics (formerly Invitae), Labcorp
Classification: Uncertain significance for Hereditary spastic paraplegia 50. Last evaluated: 2020-02-17. Review status: criteria provided, single submitter. Criteria: Invitae Variant Classification Sherloc (09022015). Collection method: clinical testing. Allele origin: germline.
Comment: This sequence change replaces glycine with alanine at codon 63 of the AP4M1 protein (p.Gly63Ala). The glycine residue is highly conserved and there is a small physicochemical difference between glycine and alanine. This variant is not present in population databases (ExAC no frequency). This variant has not been reported in the literature in individuals with AP4M1-related disease. Algorithms developed to predict the effect of missense changes on protein structure and function do not agree on the potential impact of this missense change (SIFT: "Tolerated"; PolyPhen-2: "Possibly Damaging"; Align-GVGD: "Class C0"). In summary, the available evidence is currently insufficient to determine the role of this variant in disease. Therefore, it has been classified as a Variant of Uncertain Significance.